The following is an entry in ClinVar:

NM_001605.3(AARS1):c.1651G>A (p.Val551Met)

Gene: AARS1 (alanyl-tRNA synthetase 1; minus strand). Cytogenetic location: 16q22.1.
Variant type: single nucleotide variant.
Coding change: c.1651G>A on transcript NM_001605.3 (MANE Select); coding-DNA position 1651, G replaced by A.
Protein change: p.Val551Met; replaces valine 551 with methionine.
Molecular consequence: missense variant.
Genome position (GRCh38, 1-based): chr16:70,262,366, C>T on the plus strand (G>A on the coding strand, the complement: AARS1 is on the minus strand). VCF-style: chr16-70262366-C-T. GRCh37 (hg19) VCF-style: chr16-70296269-C-T.
Other names: p.Val551Met; short protein forms V551M.
Identifiers: ClinVar variation 412292 (VCV000412292.12), dbSNP rs1060503691, ClinGen allele CA16614987.

ClinVar aggregate classification (germline): Uncertain significance. Review status: criteria provided, multiple submitters, no conflicts (2 of 4 stars). 3 submissions from 3 submitters: Uncertain significance (3). Last evaluated 2026-08-03.

Conditions:
Charcot-Marie-Tooth disease type 2. Also called: Charcot-Marie-Tooth type 2. Identifiers: Orphanet 64746, MedGen C0270914, MONDO:0018993.
Inborn genetic diseases. Identifiers: MedGen C0950123, MeSH D030342.

Allele frequency attached by ClinVar (database versions not stated): TOPMed 0.00001; gnomAD exomes below 0.00001.
gnomAD v4.1: 5 of 1,614,226 alleles (0.00031%); highest among the groups gnomAD compares: Non-Finnish European, 0.00042%; no homozygotes.

Submissions (3):

Ambry Genetics
Classification: Uncertain significance for Inborn genetic diseases. Last evaluated: 2026-08-03. Review status: criteria provided, single submitter. Criteria: Ambry Variant Classification Scheme 2023. Collection method: clinical testing. Allele origin: germline.

Mayo Clinic Laboratories, Mayo Clinic
Classification: Uncertain significance. Last evaluated: 2023-08-11. Review status: criteria provided, single submitter. Criteria: ACMG Guidelines, 2015. Collection method: clinical testing. Allele origin: germline. Observed: 1 variant allele.
Comment: BP4, PM2_moderate

Labcorp Genetics (formerly Invitae), Labcorp
Classification: Uncertain significance for Charcot-Marie-Tooth disease type 2. Last evaluated: 2023-08-10. Review status: criteria provided, single submitter. Criteria: Invitae Variant Classification Sherloc (09022015). Collection method: clinical testing. Allele origin: germline.
Comment: In summary, the available evidence is currently insufficient to determine the role of this variant in disease. Therefore, it has been classified as a Variant of Uncertain Significance. An algorithm developed to predict the effect of missense changes on protein structure and function (PolyPhen-2) suggests that this variant is likely to be tolerated. ClinVar contains an entry for this variant (Variation ID: 412292). This variant has not been reported in the literature in individuals affected with AARS-related conditions. This variant is not present in population databases (gnomAD no frequency). This sequence change replaces valine, which is neutral and non-polar, with methionine, which is neutral and non-polar, at codon 551 of the AARS protein (p.Val551Met).